The following is an entry in ClinVar:

NM_001374259.2(IL12RB2):c.2516C>T (p.Pro839Leu)

Gene: IL12RB2 (interleukin 12 receptor subunit beta 2; plus strand). Cytogenetic location: 1p31.3.
Variant type: single nucleotide variant.
Coding change: c.2516C>T on transcript NM_001374259.2 (MANE Select); coding-DNA position 2516, C replaced by T.
Protein change: p.Pro839Leu; replaces proline 839 with leucine.
Molecular consequence: missense variant. On other transcripts: 3 prime UTR variant (3), non-coding transcript variant (2).
Genome position (GRCh38, 1-based): chr1:67,396,016, C>T. VCF-style: chr1-67396016-C-T. GRCh37 (hg19) VCF-style: chr1-67861699-C-T.
Other names: c.*436C>T (NM_001258214.1, NM_001319233.1); c.2258C>T, p.Pro753Leu (NM_001258215.1); c.*417C>T (NM_001258216.1); c.2516C>T, p.Pro839Leu (NM_001559.3); short protein forms P839L, P753L.
Identifiers: ClinVar variation 1490829 (VCV001490829.6), dbSNP rs1417540347, ClinGen allele CA340736023.

ClinVar aggregate classification (germline): Uncertain significance (1 of 4 stars; one submission).

Allele frequency attached by ClinVar (database versions not stated): gnomAD exomes below 0.00001.
gnomAD v4.1: 1 of 1,603,294 alleles (0.000062%); highest among the groups gnomAD compares: South Asian, 0.0011%; no homozygotes.

Submission:

Labcorp Genetics (formerly Invitae), Labcorp
Classification: Uncertain significance. Last evaluated: 2021-09-15. Review status: criteria provided, single submitter. Criteria: Invitae Variant Classification Sherloc (09022015). Collection method: clinical testing. Allele origin: germline.
Comment: Algorithms developed to predict the effect of missense changes on protein structure and function are either unavailable or do not agree on the potential impact of this missense change (SIFT: "Tolerated"; PolyPhen-2: "Probably Damaging"; Align-GVGD: "Class C0"). In summary, the available evidence is currently insufficient to determine the role of this variant in disease. Therefore, it has been classified as a Variant of Uncertain Significance. This variant has not been reported in the literature in individuals affected with IL12RB2-related conditions. This variant is not present in population databases (ExAC no frequency). This sequence change replaces proline with leucine at codon 839 of the IL12RB2 protein (p.Pro839Leu). The proline residue is highly conserved and there is a moderate physicochemical difference between proline and leucine.